The following is an entry in ClinVar:

NM_020778.5(ALPK3):c.-69G>A

Gene: ALPK3 (alpha kinase 3; plus strand). Cytogenetic location: 15q25.3.
Variant type: single nucleotide variant.
Coding change: c.-69G>A on transcript NM_020778.5 (MANE Select); 69 bases upstream of the start codon, G replaced by A.
Molecular consequence: 5 prime UTR variant.
Genome position (GRCh38, 1-based): chr15:84,817,384, G>A. VCF-style: chr15-84817384-G-A. GRCh37 (hg19) VCF-style: chr15-85360615-G-A.
Identifiers: ClinVar variation 1747218 (VCV001747218.5), dbSNP rs1374056082, ClinGen allele CA393369114.

ClinVar aggregate classification (germline): Uncertain significance. Review status: criteria provided, multiple submitters, no conflicts (2 of 4 stars). 2 submissions from 2 submitters: Uncertain significance (2). Last evaluated 2023-11-08.

Conditions:
Cardiovascular phenotype. Identifiers: MedGen CN230736.

Allele frequency attached by ClinVar (database versions not stated): gnomAD 0.00001.
gnomAD v4.1: 1 of 1,219,344 alleles (0.000082%); highest among the groups gnomAD compares: Non-Finnish European, 0.0001%; no homozygotes.

Submissions (2):

Labcorp Genetics (formerly Invitae), Labcorp
Classification: Uncertain significance. Last evaluated: 2023-11-08. Review status: criteria provided, single submitter. Criteria: Invitae Variant Classification Sherloc (09022015). Collection method: clinical testing. Allele origin: germline.
Comment: This sequence change replaces glycine, which is neutral and non-polar, with arginine, which is basic and polar, at codon 180 of the ALPK3 protein (p.Gly180Arg). This variant is present in population databases (no rsID available, gnomAD 0.007%). This variant has not been reported in the literature in individuals affected with ALPK3-related conditions. ClinVar contains an entry for this variant (Variation ID: 1747218). Algorithms developed to predict the effect of missense changes on protein structure and function output the following: SIFT: "Not Available"; PolyPhen-2: "Benign"; Align-GVGD: "Not Available". The arginine amino acid residue is found in multiple mammalian species, which suggests that this missense change does not adversely affect protein function. In summary, the available evidence is currently insufficient to determine the role of this variant in disease. Therefore, it has been classified as a Variant of Uncertain Significance.

Ambry Genetics
Classification: Uncertain significance for Cardiovascular phenotype. Last evaluated: 2023-11-02. Review status: criteria provided, single submitter. Criteria: Ambry Variant Classification Scheme 2023. Collection method: clinical testing. Allele origin: germline.
Comment: The p.G180R variant (also known as c.538G>A), located in coding exon 1 of the ALPK3 gene, results from a G to A substitution at nucleotide position 538. The glycine at codon 180 is replaced by arginine, an amino acid with dissimilar properties. This amino acid position is poorly conserved in available vertebrate species. In addition, this alteration is predicted to be tolerated by in silico analysis. Since supporting evidence is limited at this time, the clinical significance of this alteration remains unclear.